The following is an entry in ClinVar:

ClinVar aggregate classification (germline): Likely pathogenic (1 of 4 stars; one submission).

Conditions:
Aortic valve disease 1 (AOVD1). Identifiers: MedGen C3887892, MONDO:0024523, OMIM 109730.

Submission:

Greenwood Genetic Center Diagnostic Laboratories, Greenwood Genetic Center
Classification: Likely pathogenic for Aortic valve disease 1. Last evaluated: 2023-07-05. Review status: criteria provided, single submitter. Criteria: ACMG Guidelines, 2015. Collection method: clinical testing. Allele origin: germline. Affected: yes.
Comment: PVS1, PM2

NM_017617.5(NOTCH1):c.2112C>A (p.Cys704Ter)

Gene: NOTCH1 (notch receptor 1; minus strand). Cytogenetic location: 9q34.3.
Variant type: single nucleotide variant.
Coding change: c.2112C>A on transcript NM_017617.5 (MANE Select); coding-DNA position 2112, C replaced by A.
Protein change: p.Cys704Ter; replaces cysteine 704 with a stop codon.
Molecular consequence: nonsense.
Genome position (GRCh38, 1-based): chr9:136,514,605, G>T on the plus strand (C>A on the coding strand, the complement: NOTCH1 is on the minus strand). VCF-style: chr9-136514605-G-T. GRCh37 (hg19) VCF-style: chr9-139409057-G-T.
Other names: short protein forms C704*.
Identifiers: ClinVar variation 2626882 (VCV002626882.1), dbSNP rs757495549, ClinGen allele CA375558713.
Genomic context (GRCh38, chr9:136,514,605, plus strand): 5'-GGGGTTGCTGTTGCACTCATTGACCTCAGACAGGCAGGTGGGGTCGTGGTAGCCCTCGGG[G>T]CAGCGGCAGGTGAAGCCATTGATGCCGTCCTCGCAGGTGCCCCCGTTGTGGCAGGGGTTG-3'